The following is an entry in ClinVar:

NC_000016.9:g.(180591_188148)_(188672_?)del

Gene: NPRL3 (NPR3 like, GATOR1 complex subunit; minus strand). Cytogenetic location: 16p13.3.
Variant type: Deletion.
Identifiers: ClinVar variation 2501100 (VCV002501100.1).

ClinVar aggregate classification (germline): Likely pathogenic (1 of 4 stars; one submission).

Conditions:
Epilepsy, familial focal, with variable foci 3 (FFEVF3). Identifiers: MedGen C4310708, MONDO:0014925, OMIM 617118.

Submission:

Women's Health and Genetics/Laboratory Corporation of America, LabCorp
Classification: Likely pathogenic for Epilepsy, familial focal, with variable foci 3. Last evaluated: 2023-03-14. Review status: criteria provided, single submitter. Criteria: LabCorp Variant Classification Summary - May 2015. Collection method: clinical testing. Allele origin: germline.
Comment: Variant summary: The variant identified by MLPA or other technology involves the deletion of exons 1-2 in the C16orf35 gene. A presumed nomenclature of c.(?_-99)_(118+1_119-1)del has been designated for the purposes of this classification. Although exact breakpoints of this deletion are not known, it is expected to result in a large deletion in the C16orf35 gene, a known mechanism of disease. The variant was absent in 21694 control chromosomes (gnomAD, Structural Variant Dataset) . Deletion of Exon 2 has been reported in the literature in individuals affected with Epilepsy, Familial Focal, With Variable Foci 3 (Truty_2019), however it is not clear if the patient also had deletion of Exon 1 (non-coding). This report does not provide unequivocal conclusions about association of the variant with Epilepsy, Familial Focal, With Variable Foci 3. To our knowledge, no experimental evidence demonstrating an impact on protein function has been reported. One clinical diagnostic laboratory has submitted clinical-significance assessments for this variant to ClinVar after 2014 without evidence for independent evaluation. One laboratory classified the variant as pathogenic. Based on the evidence outlined above, the variant was classified as likely pathogenic.

Literature cited by the submitters: PubMed 31440721.